The following is an entry in ClinVar:

NM_006648.4(WNK2):c.202C>T (p.Pro68Ser)

Gene: WNK2 (WNK lysine deficient protein kinase 2; plus strand). Cytogenetic location: 9q22.31.
Variant type: single nucleotide variant.
Coding change: c.202C>T on transcript NM_006648.4 (MANE Select); coding-DNA position 202, C replaced by T.
Protein change: p.Pro68Ser; replaces proline 68 with serine.
Molecular consequence: missense variant.
Genome position (GRCh38, 1-based): chr9:93,185,131, C>T. VCF-style: chr9-93185131-C-T. GRCh37 (hg19) VCF-style: chr9-95947413-C-T.
Other names: c.202C>T, p.Pro68Ser (NM_001282394.3); short protein forms P68S.
Identifiers: ClinVar variation 4201798 (VCV004201798.1).

ClinVar aggregate classification (germline): Uncertain significance (1 of 4 stars; one submission).

Submission:

Ambry Genetics
Classification: Uncertain significance. Last evaluated: 2025-08-22. Review status: criteria provided, single submitter. Criteria: Ambry Variant Classification Scheme 2023. Collection method: clinical testing. Allele origin: germline.
Comment: The p.P68S variant (also known as c.202C>T), located in coding exon 1 of the WNK2 gene, results from a C to T substitution at nucleotide position 202. The proline at codon 68 is replaced by serine, an amino acid with similar properties. This amino acid position is conserved. In addition, this alteration is predicted to be tolerated by in silico analysis. Based on the available evidence, the clinical significance of this variant remains unclear.